The following is an entry in ClinVar:

ClinVar aggregate classification (germline): Uncertain significance (1 of 4 stars; one submission).

Submission:

Labcorp Genetics (formerly Invitae), Labcorp
Classification: Uncertain significance. Last evaluated: 2025-05-02. Review status: criteria provided, single submitter. Criteria: Invitae Variant Classification Sherloc (09022015). Collection method: clinical testing. Allele origin: germline.
Comment: This sequence change replaces methionine, which is neutral and non-polar, with leucine, which is neutral and non-polar, at codon 779 of the SCN3A protein (p.Met779Leu). This variant is not present in population databases (gnomAD no frequency). This variant has not been reported in the literature in individuals affected with SCN3A-related conditions. Invitae Evidence Modeling of protein sequence and biophysical properties (such as structural, functional, and spatial information, amino acid conservation, physicochemical variation, residue mobility, and thermodynamic stability) indicates that this missense variant is not expected to disrupt SCN3A protein function with a negative predictive value of 95%. In summary, the available evidence is currently insufficient to determine the role of this variant in disease. Therefore, it has been classified as a Variant of Uncertain Significance.

NM_006922.4(SCN3A):c.2335A>C (p.Met779Leu)

Gene: SCN3A (sodium voltage-gated channel alpha subunit 3; minus strand). Cytogenetic location: 2q24.3.
Variant type: single nucleotide variant.
Coding change: c.2335A>C on transcript NM_006922.4 (MANE Select); coding-DNA position 2335, A replaced by C.
Protein change: p.Met779Leu; replaces methionine 779 with leucine.
Molecular consequence: missense variant.
Genome position (GRCh38, 1-based): chr2:165,137,935, T>G on the plus strand (A>C on the coding strand, the complement: SCN3A is on the minus strand). VCF-style: chr2-165137935-T-G. GRCh37 (hg19) VCF-style: chr2-165994445-T-G.
Other names: c.2188A>C, p.Met730Leu (NM_001081676.2, NM_001081677.2); short protein forms M730L, M779L.
Identifiers: ClinVar variation 4800249 (VCV004800249.1).